The following is an entry in ClinVar:

NM_015072.5(TTLL5):c.3560T>C (p.Leu1187Ser)

Gene: TTLL5 (tubulin tyrosine ligase like 5; plus strand). Cytogenetic location: 14q24.3.
Variant type: single nucleotide variant.
Coding change: c.3560T>C on transcript NM_015072.5 (MANE Select); coding-DNA position 3560, T replaced by C.
Protein change: p.Leu1187Ser; replaces leucine 1187 with serine.
Molecular consequence: missense variant.
Genome position (GRCh38, 1-based): chr14:75,882,722, T>C. VCF-style: chr14-75882722-T-C. GRCh37 (hg19) VCF-style: chr14-76349065-T-C.
Other names: short protein forms L1187S.
Identifiers: ClinVar variation 2066589 (VCV002066589.4), dbSNP rs137893855, ClinGen allele CA7280080.

ClinVar aggregate classification (germline): Uncertain significance (1 of 4 stars; one submission).

Allele frequency attached by ClinVar (database versions not stated): TOPMed below 0.00001; ExAC 0.00001; gnomAD 0.00001; gnomAD exomes 0.00001; ESP Exome Variant Server 0.00008; 1000 Genomes Project 30x 0.00016; 1000 Genomes Project 0.00020.
gnomAD v4.1: 8 of 1,613,918 alleles (0.0005%); highest among the groups gnomAD compares: African/African-American, 0.0013%; no homozygotes.

Submission:

Labcorp Genetics (formerly Invitae), Labcorp
Classification: Uncertain significance. Last evaluated: 2022-03-11. Review status: criteria provided, single submitter. Criteria: Invitae Variant Classification Sherloc (09022015). Collection method: clinical testing. Allele origin: germline.
Comment: In summary, the available evidence is currently insufficient to determine the role of this variant in disease. Therefore, it has been classified as a Variant of Uncertain Significance. Algorithms developed to predict the effect of missense changes on protein structure and function (SIFT, PolyPhen-2, Align-GVGD) all suggest that this variant is likely to be tolerated. This variant has not been reported in the literature in individuals affected with TTLL5-related conditions. This variant is present in population databases (rs137893855, gnomAD 0.007%). This sequence change replaces leucine, which is neutral and non-polar, with serine, which is neutral and polar, at codon 1187 of the TTLL5 protein (p.Leu1187Ser).